The following is an entry in ClinVar:

NM_000404.4(GLB1):c.364C>T (p.Pro122Ser)

Gene: GLB1 (galactosidase beta 1; minus strand). Cytogenetic location: 3p22.3.
Variant type: single nucleotide variant.
Coding change: c.364C>T on transcript NM_000404.4 (MANE Select); coding-DNA position 364, C replaced by T.
Protein change: p.Pro122Ser; replaces proline 122 with serine.
Molecular consequence: missense variant. On other transcripts: intron variant (1).
Genome position (GRCh38, 1-based): chr3:33,068,852, G>A on the plus strand (C>T on the coding strand, the complement: GLB1 is on the minus strand). VCF-style: chr3-33068852-G-A. GRCh37 (hg19) VCF-style: chr3-33110344-G-A.
Other names: c.274C>T, p.Pro92Ser (NM_001079811.3); c.508C>T, p.Pro170Ser (NM_001317040.2); c.364C>T, p.Pro122Ser (NM_001393580.1); c.246-3295C>T (NM_001135602.3); short protein forms P122S, P170S, P92S.
Identifiers: ClinVar variation 5010318 (VCV005010318.1).

ClinVar aggregate classification (germline): Likely pathogenic (1 of 4 stars; one submission).

Conditions:
GM1 gangliosidosis. Identifiers: Orphanet 354, MedGen C0085131, MONDO:0018149.

Submission:

Department of Pediatrics, GMC Srinagar, Government Medical College Srinagar
Classification: Likely pathogenic for GM1 gangliosidosis. Last evaluated: 2026-10-04. Review status: criteria provided, single submitter. Criteria: ACMG Guidelines, 2015. Collection method: clinical testing. Allele origin: germline. Inheritance: Autosomal recessive inheritance. Affected: yes. Observed: 1 variant allele, 1 homozygote.
Comment: This missense variant is classified as likely pathogenic for the following reasons - Not reported in population databases (e.g., gnomAD v.4.1.2, etc.), predicted to be deleterious/damaging by a majority of in-silico tools, observed in a gene with a low rate of benign missense variation which is also a common mechanism of disease (also, noted in a functionally important domain with a low rate of benign missense variation), and detected in a homozygous state in an affected individual with a matching phenotype (clinical/radiological features and reduced enzyme activity).